The following is an entry in ClinVar:

NM_000342.4(SLC4A1):c.1874A>G (p.Gln625Arg)

Gene: SLC4A1 (solute carrier family 4 member 1 (Diego blood group); minus strand). Cytogenetic location: 17q21.31.
Variant type: single nucleotide variant.
Coding change: c.1874A>G on transcript NM_000342.4 (MANE Select); coding-DNA position 1874, A replaced by G.
Protein change: p.Gln625Arg; replaces glutamine 625 with arginine.
Molecular consequence: missense variant.
Genome position (GRCh38, 1-based): chr17:44,255,223, T>C on the plus strand (A>G on the coding strand, the complement: SLC4A1 is on the minus strand). VCF-style: chr17-44255223-T-C. GRCh37 (hg19) VCF-style: chr17-42332591-T-C.
Other names: short protein forms Q625R.
Identifiers: ClinVar variation 2961906 (VCV002961906.3), dbSNP rs2047378298, ClinGen allele CA399783824.

ClinVar aggregate classification (germline): Uncertain significance (1 of 4 stars; one submission).

Allele frequency attached by ClinVar (database versions not stated): TOPMed below 0.00001; gnomAD exomes 0.00003.
gnomAD v4.1: 47 of 1,556,168 alleles (0.003%); highest among the groups gnomAD compares: Non-Finnish European, 0.0039%; no homozygotes.

Submission:

Labcorp Genetics (formerly Invitae), Labcorp
Classification: Uncertain significance. Last evaluated: 2023-03-03. Review status: criteria provided, single submitter. Criteria: Invitae Variant Classification Sherloc (09022015). Collection method: clinical testing. Allele origin: germline.
Comment: Advanced modeling of protein sequence and biophysical properties (such as structural, functional, and spatial information, amino acid conservation, physicochemical variation, residue mobility, and thermodynamic stability) performed at Invitae indicates that this missense variant is not expected to disrupt SLC4A1 protein function. This variant has not been reported in the literature in individuals affected with SLC4A1-related conditions. This variant is not present in population databases (gnomAD no frequency). This sequence change replaces glutamine, which is neutral and polar, with arginine, which is basic and polar, at codon 625 of the SLC4A1 protein (p.Gln625Arg). In summary, the available evidence is currently insufficient to determine the role of this variant in disease. Therefore, it has been classified as a Variant of Uncertain Significance.